The following is an entry in ClinVar:

NM_001035.3(RYR2):c.11245+8del

Gene: RYR2 (ryanodine receptor 2; plus strand). Cytogenetic location: 1q43.
Variant type: Deletion.
Coding change: c.11245+8del on transcript NM_001035.3 (MANE Select); 8 bases into the intron after coding-DNA position 11245, one base deleted (T; older notation c.11245+8delT).
Molecular consequence: intron variant.
Genome position (GRCh38, 1-based): chr1:237,756,395, T deleted; the last of 2 consecutive T bases (chr1:237,756,394-237,756,395); deleting either gives the same sequence. VCF-style (leftmost placement, unchanged base first): chr1-237756393-GT-G. GRCh37 (hg19) VCF-style: chr1-237919693-GT-G.
Identifiers: ClinVar variation 3385840 (VCV003385840.1).
Genomic context (GRCh38, chr1:237,756,393, plus strand): 5'-CTCCACGATCGTGGCGCGGCTGAGATGGTGCTACAGACAATCAGTGCCAGCAAAGGTAAG[GT>G]TCCTTGAGTTCCCCTCACGAGTGTCTGTTCTTCAGATTTCCTCGTTGCTCTCAAGGTCCT-3'

ClinVar aggregate classification (germline): Uncertain significance (1 of 4 stars; one submission).

Conditions:
Catecholaminergic polymorphic ventricular tachycardia (CVPT). Also called: Catecholamine-induced polymorphic ventricular tachycardia. Identifiers: Orphanet 3286, MedGen C5574922, MONDO:0017990.

Submission:

All of Us Research Program, National Institutes of Health
Classification: Uncertain significance for Catecholaminergic polymorphic ventricular tachycardia. Last evaluated: 2024-08-13. Review status: criteria provided, single submitter. Criteria: ACMG Guidelines, 2015. Collection method: clinical testing. Allele origin: germline. Inheritance: Autosomal dominant inheritance. Observed: 1 variant allele, 1 heterozygote.
Comment: This variant causes a deletion of 1 nucleotide in intron 81 of the RYR2 gene. To our knowledge, functional studies have not been reported for this variant. This variant has not been reported in individuals affected with RYR2-related disorders in the literature. This variant has not been identified in the general population by the Genome Aggregation Database (gnomAD). The available evidence is insufficient to determine the role of this variant in disease conclusively. Therefore, this variant is classified as a Variant of Uncertain Significance.

This study involves interpretation of variants in research participants for the purpose of population health screening. Participant phenotype was not available at the time of variant classification. Additional details can be found in publication PMID: 35346344, PMCID: PMC8962531